The following is an entry in ClinVar:

ClinVar aggregate classification (germline): Likely benign (1 of 4 stars; one submission).

gnomAD v4.1: 386 of 1,574,310 alleles (0.025%); highest among the groups gnomAD compares: Non-Finnish European, 0.01%; no homozygotes.

Submission:

CeGaT Center for Human Genetics Tuebingen
Classification: Likely benign. Last evaluated: 2026-04-01. Review status: criteria provided, single submitter. Criteria: CeGaT Center For Human Genetics Tuebingen Variant Classification Criteria Version 2. Collection method: clinical testing. Allele origin: germline. Affected: yes. Observed: 1 variant allele.
Comment: CACUL1: BP4, BP7

NM_153810.5(CACUL1):c.759G>A (p.Thr253=)

Gene: CACUL1 (CDK2 associated cullin domain 1; minus strand). Cytogenetic location: 10q26.11.
Variant type: single nucleotide variant.
Coding change: c.759G>A on transcript NM_153810.5 (MANE Select); coding-DNA position 759, G replaced by A.
Protein change: p.Thr253=; no amino-acid change (threonine 253 retained).
Molecular consequence: synonymous variant.
Genome position (GRCh38, 1-based): chr10:118,701,343, C>T on the plus strand (G>A on the coding strand, the complement: CACUL1 is on the minus strand). VCF-style: chr10-118701343-C-T. GRCh37 (hg19) VCF-style: chr10-120460855-C-T.
Identifiers: ClinVar variation 4872224 (VCV004872224.2).